The following is an entry in ClinVar:

ClinVar aggregate classification (germline): Likely benign. Review status: criteria provided, multiple submitters, no conflicts (2 of 4 stars). 5 submissions from 5 submitters: Likely benign (5). Last evaluated 2026-02-27.

Conditions:
COL12A1-related disorder. Also called: COL12A1-related condition.
Ullrich congenital muscular dystrophy 2 (UCMD2). Identifiers: Orphanet 75840, MedGen C4225314, MONDO:0014654, OMIM 616470.
Bethlem myopathy 2 (BTHLM2). Identifiers: Orphanet 536516, Orphanet 610, MedGen C4225313, MONDO:0034022, OMIM 616471.

Allele frequency attached by ClinVar (database versions not stated): ESP Exome Variant Server 0.00059; TOPMed 0.00073; 1000 Genomes Project 0.00080; gnomAD 0.00083; 1000 Genomes Project 30x 0.00094.
gnomAD v4.1: 212 of 1,612,862 alleles (0.013%); highest among the groups gnomAD compares: African/African-American, 0.23%; no homozygotes.

Submissions (6):

Women's Health and Genetics/Laboratory Corporation of America, LabCorp
Classification: Likely benign. Last evaluated: 2026-02-27. Review status: criteria provided, single submitter. Criteria: LabCorp Variant Classification Summary - May 2015. Collection method: clinical testing. Allele origin: germline.

Labcorp Genetics (formerly Invitae), Labcorp
Classification: Likely benign for Bethlem myopathy 2; Ullrich congenital muscular dystrophy 2. Last evaluated: 2025-12-10. Review status: criteria provided, single submitter. Criteria: Invitae Variant Classification Sherloc (09022015). Collection method: clinical testing. Allele origin: germline.

Mayo Clinic Laboratories, Mayo Clinic
Classification: Likely benign. Last evaluated: 2025-04-09. Review status: criteria provided, single submitter. Criteria: ACMG Guidelines, 2015. Collection method: clinical testing. Allele origin: germline. Observed: 1 variant allele.
Comment: BS1, BP4, BP7

PreventionGenetics, part of Exact Sciences
Classification: Likely benign for COL12A1-related condition. Last evaluated: 2025-03-12. Review status: criteria provided, single submitter. Criteria: ACMG Guidelines, 2015. Collection method: clinical testing. Allele origin: germline.
Comment: This variant is classified as likely benign based on ACMG/AMP sequence variant interpretation guidelines (Richards et al. 2015 PMID: 25741868, with internal and published modifications).

GeneDx
Classification: Likely benign. Last evaluated: 2020-03-11. Review status: criteria provided, single submitter. Criteria: GeneDx Variant Classification Process June 2021. Collection method: clinical testing. Allele origin: germline. Affected: yes.

Dr. Peter K. Rogan Lab, Western University
No classification provided (evidence only). Condition: Familial cancer of breast. Review status: no classification provided. Collection method: in vitro. Allele origin: not applicable. Functional consequence: retained intron. Not counted in ClinVar's aggregate classification.

NM_004370.6(COL12A1):c.4958-7A>C

Gene: COL12A1 (collagen type XII alpha 1 chain; minus strand). Cytogenetic location: 6q13.
Variant type: single nucleotide variant.
Coding change: c.4958-7A>C on transcript NM_004370.6 (MANE Select); 7 bases into the intron before coding-DNA position 4958, A replaced by C.
Molecular consequence: intron variant.
Genome position (GRCh38, 1-based): chr6:75,138,968, T>G on the plus strand (A>C on the coding strand, the complement: COL12A1 is on the minus strand). VCF-style: chr6-75138968-T-G. GRCh37 (hg19) VCF-style: chr6-75848684-T-G.
Other names: p.?; c.1466-7A>C (NM_080645.3).
Identifiers: ClinVar variation 475870 (VCV000475870.19), dbSNP rs1332779, ClinGen allele CA3893289.
Genomic context (GRCh38, chr6:75,138,968, plus strand): 5'-AACCCTCTGATGTTACTTCAGTAATCTTTAAGTTTGTTGGGGCTGGCACGGGTCCTATCA[T>G]GAGAAAAGGCAAGCAGACTAAGTTTTTGAATGTGAGCTGCAAATGCAATTTAATATAATA-3'